The following is an entry in ClinVar:

ClinVar aggregate classification (germline): Uncertain significance. Review status: criteria provided, multiple submitters, no conflicts (2 of 4 stars). 2 submissions from 2 submitters: Uncertain significance (2). Last evaluated 2026-03-02.

Submissions (2):

GeneDx
Classification: Uncertain significance. Last evaluated: 2026-03-02. Review status: criteria provided, single submitter. Criteria: GeneDx Variant Classification Process June 2021. Collection method: clinical testing. Allele origin: germline.
Comment: Not observed at significant frequency in large population cohorts (gnomAD); In silico analysis supports that this missense variant has a deleterious effect on protein structure/function; Has not been previously published as pathogenic or benign to our knowledge

Labcorp Genetics (formerly Invitae), Labcorp
Classification: Uncertain significance. Last evaluated: 2024-02-21. Review status: criteria provided, single submitter. Criteria: Invitae Variant Classification Sherloc (09022015). Collection method: clinical testing. Allele origin: germline.
Comment: This sequence change replaces leucine, which is neutral and non-polar, with arginine, which is basic and polar, at codon 168 of the GNB1 protein (p.Leu168Arg). This variant is not present in population databases (gnomAD no frequency). This variant has not been reported in the literature in individuals affected with GNB1-related conditions. Advanced modeling of protein sequence and biophysical properties (such as structural, functional, and spatial information, amino acid conservation, physicochemical variation, residue mobility, and thermodynamic stability) performed at Invitae indicates that this missense variant is not expected to disrupt GNB1 protein function with a negative predictive value of 80%. In summary, the available evidence is currently insufficient to determine the role of this variant in disease. Therefore, it has been classified as a Variant of Uncertain Significance.

NM_002074.5(GNB1):c.503T>G (p.Leu168Arg)

Gene: GNB1 (G protein subunit beta 1; minus strand). Cytogenetic location: 1p36.33.
Variant type: single nucleotide variant.
Coding change: c.503T>G on transcript NM_002074.5 (MANE Select); coding-DNA position 503, T replaced by G.
Protein change: p.Leu168Arg; replaces leucine 168 with arginine.
Molecular consequence: missense variant.
Genome position (GRCh38, 1-based): chr1:1,790,591, A>C on the plus strand (T>G on the coding strand, the complement: GNB1 is on the minus strand). VCF-style: chr1-1790591-A-C. GRCh37 (hg19) VCF-style: chr1-1722030-A-C.
Other names: c.203T>G, p.Leu68Arg (NM_001282538.2); c.503T>G, p.Leu168Arg (NM_001282539.2); c.503T>G (NM_002074.4); short protein forms L68R, L168R.
Identifiers: ClinVar variation 3642348 (VCV003642348.3).
Genomic context (GRCh38, chr1:1,790,591, plus strand): 5'-ATGACATCTCCAGTGTGTCCGGTAAACGTGGTCGTCTGCTGGCCGGTCTCGATGTCCCAC[A>C]GGGCACTGGAGCAGGAGCGAATGACAAGGGGACATCAGCCTTAACTTCTTGGGTGGCTAG-3'
Protein context (NP_002065.1, residues 158-178): VTSSGDTTCA[Leu168Arg]WDIETGQQTT